The following is an entry in ClinVar:

ClinVar aggregate classification (germline): Pathogenic. Review status: criteria provided, multiple submitters, no conflicts (2 of 4 stars). 2 submissions from 2 submitters: Pathogenic (2). Last evaluated 2024-10-17.

Conditions:
Lissencephaly due to LIS1 mutation (LIS1). Also called: Isolated Lissencephaly Sequence; PAFAH1B1-Associated Lissencephaly/Subcortical Band Heterotopia; PAFAH1B1-Related Lissencephaly/Subcortical Band Heterotopia. Identifiers: Orphanet 95232, MedGen C4749301, MONDO:0011830, OMIM 607432.

Submissions (2):

Labcorp Genetics (formerly Invitae), Labcorp
Classification: Pathogenic. Last evaluated: 2024-10-17. Review status: criteria provided, single submitter. Criteria: Invitae Variant Classification Sherloc (09022015). Collection method: clinical testing. Allele origin: germline.
Comment: This sequence change creates a premature translational stop signal (p.Trp340Leufs*19) in the PAFAH1B1 gene. It is expected to result in an absent or disrupted protein product. Loss-of-function variants in PAFAH1B1 are known to be pathogenic (PMID: 1671808, 11115846, 14581661). This variant is not present in population databases (gnomAD no frequency). This premature translational stop signal has been observed in individual(s) with lissencephaly (PMID: 9817918). This variant is also known as 1018insT. ClinVar contains an entry for this variant (Variation ID: 211818). For these reasons, this variant has been classified as Pathogenic.

Genetic Services Laboratory, University of Chicago
Classification: Pathogenic for Lissencephaly 1. Last evaluated: 2013-02-08. Review status: criteria provided, single submitter. Criteria: ACMG Guidelines, 2007. Collection method: clinical testing. Allele origin: germline. Affected: yes.

Literature cited by the submitters: PubMed 1671808 (cited by Labcorp Genetics (formerly Invitae), Labcorp); PubMed 11115846 (cited by Labcorp Genetics (formerly Invitae), Labcorp); PubMed 14581661 (cited by Labcorp Genetics (formerly Invitae), Labcorp); PubMed 9817918 (cited by Labcorp Genetics (formerly Invitae), Labcorp).

NM_000430.4(PAFAH1B1):c.1018dup (p.Trp340fs)

Gene: PAFAH1B1 (platelet activating factor acetylhydrolase 1b regulatory subunit 1; plus strand). Cytogenetic location: 17p13.3.
Variant type: Duplication.
Coding change: c.1018dup on transcript NM_000430.4 (MANE Select); coding-DNA position 1018, one base duplicated (T; older notation c.1018dupT).
Protein change: p.Trp340fs; shifts the reading frame from tryptophan 340.
Molecular consequence: frameshift variant.
Genome position (GRCh38, 1-based): chr17:2,680,179, T duplicated. VCF-style (leftmost placement, unchanged base first): chr17-2680178-C-CT. GRCh37 (hg19) VCF-style: chr17-2583472-C-CT.
Other names: short protein forms W340fs.
Identifiers: ClinVar variation 211818 (VCV000211818.9), dbSNP rs797045855, ClinGen allele CA277272.